The following is an entry in ClinVar:

ClinVar aggregate classification (germline): Uncertain significance. Review status: criteria provided, multiple submitters, no conflicts (2 of 4 stars). 2 submissions from 2 submitters: Uncertain significance (2). Last evaluated 2025-07-04.

Conditions:
Dilated cardiomyopathy 1GG (CMD1GG). Identifiers: Orphanet 154, MedGen C3150898, MONDO:0013339, OMIM 613642.
Hereditary cancer-predisposing syndrome. Also called: Neoplastic Syndromes, Hereditary; Tumor predisposition; Hereditary neoplastic syndrome; Hereditary Cancer Syndrome. Identifiers: Orphanet 140162, MedGen C0027672, MeSH D009386, MONDO:0015356.

Submissions (2):

Ambry Genetics
Classification: Uncertain significance for Hereditary cancer-predisposing syndrome. Last evaluated: 2025-07-04. Review status: criteria provided, single submitter. Criteria: Ambry Variant Classification Scheme 2023. Collection method: clinical testing. Allele origin: germline.
Comment: The p.V254A variant (also known as c.761T>C), located in coding exon 6 of the SDHA gene, results from a T to C substitution at nucleotide position 761. The valine at codon 254 is replaced by alanine, an amino acid with similar properties. This amino acid position is conserved. In addition, the in silico prediction for this alteration is inconclusive. Based on the available evidence, the clinical significance of this variant remains unclear.

Baylor Genetics
Classification: Uncertain significance for Dilated cardiomyopathy 1GG. Last evaluated: 2023-12-24. Review status: criteria provided, single submitter. Criteria: ACMG Guidelines, 2015. Collection method: clinical testing. Allele origin: unknown.

NM_004168.4(SDHA):c.761T>C (p.Val254Ala)

Gene: SDHA (succinate dehydrogenase complex flavoprotein subunit A; plus strand). Cytogenetic location: 5p15.33.
Variant type: single nucleotide variant.
Coding change: c.761T>C on transcript NM_004168.4 (MANE Select); coding-DNA position 761, T replaced by C.
Protein change: p.Val254Ala; replaces valine 254 with alanine.
Molecular consequence: missense variant.
Genome position (GRCh38, 1-based): chr5:228,324, T>C. VCF-style: chr5-228324-T-C. GRCh37 (hg19) VCF-style: chr5-228439-T-C.
Other names: c.761T>C (NM_004168.2); c.617T>C, p.Val206Ala (NM_001294332.2); c.761T>C, p.Val254Ala (NM_001330758.2); short protein forms V206A, V254A.
Identifiers: ClinVar variation 3240435 (VCV003240435.2), dbSNP rs1579391677.